The following is an entry in ClinVar:

ClinVar aggregate classification (germline): Uncertain significance (1 of 4 stars; one submission).

gnomAD v4.1: 1 of 1,614,048 alleles (0.000062%); highest among the groups gnomAD compares: Non-Finnish European, 0.000085%; no homozygotes.

Submission:

Ambry Genetics
Classification: Uncertain significance. Last evaluated: 2026-01-13. Review status: criteria provided, single submitter. Criteria: Ambry Variant Classification Scheme 2023. Collection method: clinical testing. Allele origin: germline.
Comment: The p.A251V variant (also known as c.752C>T), located in coding exon 1 of the TET2 gene, results from a C to T substitution at nucleotide position 752. The alanine at codon 251 is replaced by valine, an amino acid with similar properties. This amino acid position is conserved. In addition, this alteration is predicted to be tolerated by in silico analysis. Based on the available evidence, the clinical significance of this variant remains unclear.

NM_001127208.3(TET2):c.752C>T (p.Ala251Val)

Genes: TET2 (tet methylcytosine dioxygenase 2; plus strand), TET2-AS1 (TET2 antisense RNA 1; minus strand). Cytogenetic location: 4q24.
Variant type: single nucleotide variant.
Coding change: c.752C>T on transcript NM_001127208.3 (MANE Select); coding-DNA position 752, C replaced by T.
Protein change: p.Ala251Val; replaces alanine 251 with valine.
Molecular consequence: missense variant.
Genome position (GRCh38, 1-based): chr4:105,234,694, C>T. VCF-style: chr4-105234694-C-T. GRCh37 (hg19) VCF-style: chr4-106155851-C-T.
Other names: c.752C>T, p.Ala251Val (NM_017628.4); short protein forms A251V.
Identifiers: ClinVar variation 4843498 (VCV004843498.1).